The following is an entry in ClinVar:

ClinVar aggregate classification (germline): Uncertain significance (1 of 4 stars; one submission).

Conditions:
Neurodevelopmental disorder with motor and speech delay and behavioral abnormalities. Identifiers: MedGen C5561954, MONDO:0859176, OMIM 619470.

Submission:

Juno Genomics, Hangzhou Juno Genomics, Inc
Classification: Uncertain significance for Neurodevelopmental disorder with motor and speech delay and behavioral abnormalities. Review status: criteria provided, single submitter. Criteria: ACMG Guidelines, 2015. Collection method: clinical testing. Allele origin: germline.
Comment: Absent from controls (or at extremely low frequency if recessive) in Genome Aggregation Database.;Multiple lines of computational evidence support a deleterious effect on the gene or gene product.

NM_032125.3(TMEM222):c.190C>T (p.Leu64Phe)

Gene: TMEM222 (transmembrane protein 222; plus strand). Cytogenetic location: 1p36.11.
Variant type: single nucleotide variant.
Coding change: c.190C>T on transcript NM_032125.3 (MANE Select); coding-DNA position 190, C replaced by T.
Protein change: p.Leu64Phe; replaces leucine 64 with phenylalanine.
Molecular consequence: missense variant. On other transcripts: non-coding transcript variant (3).
Genome position (GRCh38, 1-based): chr1:27,322,387, C>T. VCF-style: chr1-27322387-C-T. GRCh37 (hg19) VCF-style: chr1-27648878-C-T.
Other names: short protein forms L64F.
Identifiers: ClinVar variation 5006477 (VCV005006477.2).